The following is an entry in ClinVar:

ClinVar aggregate classification (germline): Pathogenic. Review status: criteria provided, multiple submitters, no conflicts (2 of 4 stars). 2 submissions from 2 submitters: Pathogenic (2). Last evaluated 2025-09-10.

Conditions:
Hereditary breast ovarian cancer syndrome. Also called: Hereditary breast and ovarian cancer syndrome (HBOC); Breast and ovarian cancer; Hereditary breast and/or ovarian cancer syndrome; BRCA1- and BRCA2-Associated Hereditary Breast and Ovarian Cancer; Hereditary breast and ovarian cancer syndrome; Hereditary breast and ovarian cancer. Identifiers: Orphanet 145, MedGen C0677776, MeSH D061325, MONDO:0003582. Disease mechanism: loss of function.
Hereditary cancer-predisposing syndrome. Also called: Neoplastic Syndromes, Hereditary; Tumor predisposition; Hereditary neoplastic syndrome; Hereditary Cancer Syndrome. Identifiers: Orphanet 140162, MedGen C0027672, MeSH D009386, MONDO:0015356.

Submissions (2):

Labcorp Genetics (formerly Invitae), Labcorp
Classification: Pathogenic for Hereditary breast ovarian cancer syndrome. Last evaluated: 2025-09-10. Review status: criteria provided, single submitter. Criteria: Invitae Variant Classification Sherloc (09022015). Collection method: clinical testing. Allele origin: germline.
Comment: This sequence change creates a premature translational stop signal (p.Leu1564Trpfs*37) in the BRCA1 gene. It is expected to result in an absent or disrupted protein product. Loss-of-function variants in BRCA1 are known to be pathogenic (PMID: 20104584). This variant is not present in population databases (gnomAD no frequency). This variant has not been reported in the literature in individuals affected with BRCA1-related conditions. ClinVar contains an entry for this variant (Variation ID: 3226161). For these reasons, this variant has been classified as Pathogenic.

Ambry Genetics
Classification: Pathogenic for Hereditary cancer-predisposing syndrome. Last evaluated: 2023-12-19. Review status: criteria provided, single submitter. Criteria: Ambry Variant Classification Scheme 2023. Collection method: clinical testing. Allele origin: germline.
Comment: The c.4690delC pathogenic mutation, located in coding exon 14 of the BRCA1 gene, results from a deletion of one nucleotide at nucleotide position 4690, causing a translational frameshift with a predicted alternate stop codon (p.L1564Wfs*37). This alteration is expected to result in loss of function by premature protein truncation or nonsense-mediated mRNA decay. As such, this alteration is interpreted as a disease-causing mutation.

Literature cited by the submitters: PubMed 20104584 (cited by Labcorp Genetics (formerly Invitae), Labcorp).

NM_007294.4(BRCA1):c.4690del (p.Leu1564fs)

Gene: BRCA1 (BRCA1 DNA repair associated; minus strand). Cytogenetic location: 17q21.31.
Variant type: Deletion.
Coding change: c.4690del on transcript NM_007294.4 (MANE Select); coding-DNA position 4690, one base deleted (C; older notation c.4690delC).
Protein change: p.Leu1564fs; shifts the reading frame from leucine 1564.
Molecular consequence: frameshift variant. On other transcripts: intron variant (1).
Genome position (GRCh38, 1-based): chr17:43,071,224, G deleted on the plus strand (C on the coding strand, the reverse complement: BRCA1 is on the minus strand); the first of 2 consecutive G bases (chr17:43,071,224-43,071,225); deleting either gives the same sequence. VCF-style (leftmost placement, unchanged base first): chr17-43071223-AG-A. GRCh37 (hg19) VCF-style: chr17-41223240-AG-A.
Other names: c.4564del, p.Leu1522fs (NM_001407671.1, NM_001407672.1, NM_001407673.1 and 11 more transcripts); c.4561del, p.Leu1521fs (NM_001407681.1, NM_001407682.1, NM_001407683.1 and 6 more transcripts); c.4690del, p.Leu1564fs (NM_001407684.1, NM_001407854.1, NM_001407593.1 and 8 more transcripts); c.4558del, p.Leu1520fs (NM_001407690.1, NM_001407691.1); c.4549del, p.Leu1517fs (NM_001407692.1, NM_001407694.1, NM_001407695.1 and 13 more transcripts); c.4546del, p.Leu1516fs (NM_001407732.1, NM_001407733.1, NM_001407734.1 and 21 more transcripts); c.4543del, p.Leu1515fs (NM_001407838.1, NM_001407839.1, NM_001407841.1 and 12 more transcripts); c.4687del, p.Leu1563fs (NM_001407858.1, NM_001407859.1, NM_001407860.1 and 17 more transcripts); and 73 more; short protein forms L1267fs, L1268fs, L1395fs, L1410fs, L1435fs, L1436fs, L1437fs, L1451fs.
Identifiers: ClinVar variation 3226161 (VCV003226161.2), dbSNP rs2551081507, ClinGen allele CA2825002516.